The following is an entry in ClinVar:

ClinVar aggregate classification (germline): Likely benign. Review status: criteria provided, multiple submitters, no conflicts (2 of 4 stars). 7 submissions from 7 submitters: Likely benign (6). 1 of the submissions does not count toward it. Last evaluated 2026-01-17.

Conditions:
GMPPB-related disorder. Also called: GMPPB-related condition; GMPPB-related disorders.
Muscular dystrophy-dystroglycanopathy (congenital with brain and eye anomalies), type A14. Also called: WALKER-WARBURG SYNDROME OR MUSCLE-EYE-BRAIN DISEASE, GMPPB-RELATED; Muscular dystrophy-dystroglycanopathy (congenital with brain and eye anomalies), type a, 14; Congenital Muscular Dystrophy-Dystroglycanopathy with Brain and Eye Anomalies Type A 14; Congenital muscular dystrophy-dystroglycanopathy with brain and eye anomalies, type A14. Identifiers: Orphanet 588, MedGen C3809216, MONDO:0014140, OMIM 615350.
Muscular dystrophy-dystroglycanopathy (congenital with impaired intellectual development), type B, 14. Also called: Muscular dystrophy-dystroglycanopathy (congenital with intellectual disability), type B14; MUSCULAR DYSTROPHY, CONGENITAL, GMPPB-RELATED; Congenital muscular dystrophy-dystroglycanopathy with mental retardation, type B14. Identifiers: MedGen C3809221, MONDO:0014141, OMIM 615351.
Autosomal recessive limb-girdle muscular dystrophy type 2T. Also called: MUSCULAR DYSTROPHY-DYSTROGLYCANOPATHY, LIMB-GIRDLE, GMPPB-RELATED; MUSCULAR DYSTROPHY, LIMB-GIRDLE, TYPE 2T; Muscular dystrophy-dystroglycanopathy (limb-girdle), type c, 14; Limb-girdle muscular dystrophy-dystroglycanopathy, type C14. Identifiers: Orphanet 363623, MedGen C4518000, MONDO:0014142, OMIM 615352.

Allele frequency attached by ClinVar (database versions not stated): gnomAD 0.00042 and 0.00044; ESP Exome Variant Server 0.00046; gnomAD exomes 0.00055 and 0.00056; 1000 Genomes Project 30x 0.00016; 1000 Genomes Project 0.00020; TOPMed 0.00044; ExAC 0.00054.

Submissions (7):

Labcorp Genetics (formerly Invitae), Labcorp
Classification: Likely benign for Autosomal recessive limb-girdle muscular dystrophy type 2T; Muscular dystrophy-dystroglycanopathy (congenital with brain and eye anomalies), type A14; Muscular dystrophy-dystroglycanopathy (congenital with impaired intellectual development), type B, 14. Last evaluated: 2026-01-17. Review status: criteria provided, single submitter. Criteria: Invitae Variant Classification Sherloc (09022015). Collection method: clinical testing. Allele origin: germline.

Mayo Clinic Laboratories, Mayo Clinic
Classification: Likely benign. Last evaluated: 2025-01-03. Review status: criteria provided, single submitter. Criteria: ACMG Guidelines, 2015. Collection method: clinical testing. Allele origin: germline. Observed: 3 variant alleles.
Comment: BP4, BP7

Blueprint Genetics
Classification: Likely benign. Last evaluated: 2024-11-25. Review status: criteria provided, single submitter. Criteria: ACMG Guidelines, 2015. Collection method: clinical testing. Allele origin: germline.

CeGaT Center for Human Genetics Tuebingen
Classification: Likely benign. Last evaluated: 2024-09-01. Review status: criteria provided, single submitter. Criteria: CeGaT Center For Human Genetics Tuebingen Variant Classification Criteria Version 2. Collection method: clinical testing. Allele origin: germline. Affected: yes. Observed: 3 variant alleles.
Comment: GMPPB: BP4, BP7

GeneDx
Classification: Likely benign. Last evaluated: 2021-08-25. Review status: criteria provided, single submitter. Criteria: GeneDx Variant Classification Process June 2021. Collection method: clinical testing. Allele origin: germline. Affected: yes.

Breakthrough Genomics
Classification: Likely benign. Review status: criteria provided, single submitter. Criteria: ACMG Guidelines, 2015. Collection method: not provided. Allele origin: germline. Inheritance: Autosomal recessive inheritance. Affected: yes.

PreventionGenetics, part of Exact Sciences
Classification: Likely benign for GMPPB-related condition. Last evaluated: 2019-06-04. Review status: no assertion criteria provided. Collection method: clinical testing. Allele origin: germline. Not counted in ClinVar's aggregate classification.
Comment: This variant is classified as likely benign based on ACMG/AMP sequence variant interpretation guidelines (Richards et al. 2015 PMID: 25741868, with internal and published modifications).

NM_021971.4(GMPPB):c.309T>C (p.Pro103=)

Gene: GMPPB (GDP-mannose pyrophosphorylase B; minus strand). Cytogenetic location: 3p21.31.
Variant type: single nucleotide variant.
Coding change: c.309T>C on transcript NM_021971.4 (MANE Select); coding-DNA position 309, T replaced by C.
Protein change: p.Pro103=; no amino-acid change (proline 103 retained).
Molecular consequence: synonymous variant.
Genome position (GRCh38, 1-based): chr3:49,723,065, A>G on the plus strand (T>C on the coding strand, the complement: GMPPB is on the minus strand). VCF-style: chr3-49723065-A-G. GRCh37 (hg19) VCF-style: chr3-49760498-A-G.
Other names: p.Pro103=; c.309T>C, p.Pro103= (NM_013334.4).
Identifiers: ClinVar variation 384644 (VCV000384644.38), dbSNP rs147516683, ClinGen allele CA2405601.
Genomic context (GRCh38, chr3:49,723,065, plus strand): 5'-GAACTGCACCATGGCTTGGAAGGGGAAATCGCAGATCACGTCACTGTTGAGGACGAAGAA[A>G]GGGTCTGCAGTCTCAGAGAGTAGGTCACGGGCCAGCGCCAGGGGCCCAGCTGGGGGAAGG-3'
Protein context (NP_068806.2, residues 93-113): ARDLLSETAD[Pro103=]FFVLNSDVIC